The following is an entry in ClinVar:

NM_000051.4(ATM):c.2839-5C>G

Gene: ATM (ATM serine/threonine kinase; plus strand). Cytogenetic location: 11q22.3.
Variant type: single nucleotide variant.
Coding change: c.2839-5C>G on transcript NM_000051.4 (MANE Select); 5 bases into the intron before coding-DNA position 2839, C replaced by G.
Molecular consequence: intron variant.
Genome position (GRCh38, 1-based): chr11:108,271,059, C>G. VCF-style: chr11-108271059-C-G. GRCh37 (hg19) VCF-style: chr11-108141786-C-G.
Other names: c.2839-5C>G (NM_001351834.2).
Identifiers: ClinVar variation 2568220 (VCV002568220.5), dbSNP rs876660205, ClinGen allele CA2580616419.

ClinVar aggregate classification (germline): Conflicting classifications of pathogenicity. Review status: criteria provided, conflicting classifications (1 of 4 stars). 2 submissions from 2 submitters: Uncertain significance (1); Likely benign (1). Last evaluated 2024-04-30.

Conditions:
Hereditary cancer-predisposing syndrome. Also called: Neoplastic Syndromes, Hereditary; Hereditary Cancer Syndrome; Tumor predisposition; Hereditary neoplastic syndrome. Identifiers: Orphanet 140162, MedGen C0027672, MeSH D009386, MONDO:0015356.
Ataxia-telangiectasia syndrome (AT). Also called: LOUIS-BAR SYNDROME; ATAXIA-TELANGIECTASIA, COMPLEMENTATION GROUP A; Ataxia-telangiectasia, complementation group D; AT, COMPLEMENTATION GROUP C; Ataxia-telangiectasia, complementation group E; Ataxia-telangiectasia. Identifiers: Orphanet 100, MedGen C0004135, MONDO:0008840, OMIM 208900.

Submissions (2):

Labcorp Genetics (formerly Invitae), Labcorp
Classification: Likely benign for Ataxia-telangiectasia syndrome. Last evaluated: 2024-04-30. Review status: criteria provided, single submitter. Criteria: Invitae Variant Classification Sherloc (09022015). Collection method: clinical testing. Allele origin: germline.

Ambry Genetics
Classification: Uncertain significance for Hereditary cancer-predisposing syndrome. Last evaluated: 2023-06-01. Review status: criteria provided, single submitter. Criteria: Ambry Variant Classification Scheme 2023. Collection method: clinical testing. Allele origin: germline.
Comment: The c.2839-5C>G intronic variant results from a C to G substitution 5 nucleotides upstream from coding exon 18 in the ATM gene. This nucleotide position is not well conserved in available vertebrate species. In silico splice site analysis predicts that this alteration will not have any significant effect on splicing. Since supporting evidence is limited at this time, the clinical significance of this alteration remains unclear.